The following is an entry in ClinVar:

ClinVar aggregate classification (germline): Pathogenic/Likely pathogenic. Review status: criteria provided, multiple submitters, no conflicts (2 of 4 stars). 10 submissions from 10 submitters: Pathogenic (7); Likely pathogenic (2). 1 of the submissions does not count toward it. Last evaluated 2025-12-29.

Conditions:
Rare genetic deafness. Identifiers: Orphanet 96210, MedGen C5680250.
GJB2-related disorder. Also called: GJB2-related condition; GJB2-related disorders. Identifiers: MedGen CN382183, MONDO:1060236.
Ichthyosis, hystrix-like, with hearing loss. Also called: Hystrix-like ichthyosis with deafness. Identifiers: Orphanet 477, MedGen C1865234, MONDO:0011245.
Palmoplantar keratoderma-deafness syndrome. Also called: Keratoderma palmoplantar, with deafness; Palmoplantar keratoderma and sensorineural deafness; Hereditary palmoplantar keratoderma with deafness (subtype); Focal palmoplantar keratoderma with sensorineural deafness (subtype); Diffuse palmoplantar keratoderma with deafness (subtype). Identifiers: Orphanet 2202, MedGen C1835672, MONDO:0007852, OMIM 148350.
Knuckle pads, deafness AND leukonychia syndrome. Also called: Bart-Pumphrey syndrome. Identifiers: Orphanet 2698, MedGen C0266004, MONDO:0007866, OMIM 149200.
Mutilating keratoderma (VOWNKL). Also called: Keratoderma hereditarium mutilans. Identifiers: Orphanet 494, MedGen C0265964, MONDO:0007422, OMIM 124500.
Autosomal recessive nonsyndromic hearing loss 1A (DFNB1A). Also called: Connexin 26 deafness; Deafness nonsyndromic, Connexin 26 linked; GJB6-Related DFNB 1 Nonsyndromic Hearing Loss and Deafness; Deafness, autosomal recessive 1A; Nonsyndromic Hearing Loss and Deafness, DFNB1; GJB2-Related Autosomal Recessive Nonsyndromic Hearing Loss. Identifiers: Orphanet 90636, MedGen C2673759, MONDO:0009076, OMIM 220290.
Autosomal dominant keratitis-ichthyosis-hearing loss syndrome. Also called: Senter syndrome; KID SYNDROME, AUTOSOMAL DOMINANT; HID SYNDROME. Identifiers: Orphanet 477, MedGen C0265336, MONDO:0007850, OMIM 148210.
Autosomal dominant nonsyndromic hearing loss 3A. Identifiers: Orphanet 90635, MedGen C2675750, MONDO:0011103, OMIM 601544.

Allele frequency attached by ClinVar (database versions not stated): gnomAD 0.00003; gnomAD exomes 0.00001 and 0.00002; TOPMed 0.00003.
gnomAD v4.1: 35 of 1,613,936 alleles (0.0022%); highest among the groups gnomAD compares: Non-Finnish European, 0.003%; no homozygotes.

Submissions (10):

GeneDx
Classification: Likely pathogenic. Last evaluated: 2025-12-29. Review status: criteria provided, single submitter. Criteria: GeneDx Variant Classification Process June 2021. Collection method: clinical testing. Allele origin: germline. Affected: yes.
Comment: In silico analysis supports that this missense variant has a deleterious effect on protein structure/function; This variant is associated with the following publications: (PMID: 31970404, 12172394, 26778469, 21465647, 17666888, 12925341, 12865758, 16154643, 16950989, 27340645, 25388846, 16380907, 12910486, 19235794, 15253766, 31160754, 19775242, 17431919, 20083784, 36048236, 36515421, 30344259)

Natera, Inc.
Classification: Pathogenic for Autosomal recessive deafness type 1A. Last evaluated: 2025-11-03. Review status: criteria provided, single submitter. Criteria: Natera Variant Classification Schema (03/2026). Collection method: clinical testing. Allele origin: germline.
Comment: The c.44A>C variant in GJB2 is a missense variant predicted to cause substitution of lysine to threonine at amino acid 15. This variant is rare in the general population with a frequency below the threshold expected for the associated phenotype(s). This variant has been observed in one or more individuals affected with the associated recessive disease, as either homozygous or compound heterozygous with a second variant (PMID: 16154643, 12925341, 31152317, 17431919, 15253766). Additionally, this variant has been observed to segregate in affected family members (PMID: 17431919). Given the available evidence, this variant is classified as Pathogenic.

CeGaT Center for Human Genetics Tuebingen
Classification: Pathogenic. Last evaluated: 2025-04-01. Review status: criteria provided, single submitter. Criteria: CeGaT Center For Human Genetics Tuebingen Variant Classification Criteria Version 2. Collection method: clinical testing. Allele origin: germline. Affected: yes. Observed: 4 variant alleles.
Comment: GJB2: PM3:Very Strong, PM2, PP3

Fulgent Genetics
Classification: Pathogenic for Mutilating keratoderma; Autosomal dominant keratitis-ichthyosis-hearing loss syndrome; Palmoplantar keratoderma-deafness syndrome; Knuckle pads, deafness AND leukonychia syndrome; Autosomal recessive nonsyndromic hearing loss 1A; Autosomal dominant nonsyndromic hearing loss 3A. Last evaluated: 2024-04-23. Review status: criteria provided, single submitter. Criteria: ACMG Guidelines, 2015. Collection method: clinical testing. Allele origin: germline.

Labcorp Genetics (formerly Invitae), Labcorp
Classification: Pathogenic. Last evaluated: 2023-09-15. Review status: criteria provided, single submitter. Criteria: Invitae Variant Classification Sherloc (09022015). Collection method: clinical testing. Allele origin: germline.
Comment: For these reasons, this variant has been classified as Pathogenic. Advanced modeling of protein sequence and biophysical properties (such as structural, functional, and spatial information, amino acid conservation, physicochemical variation, residue mobility, and thermodynamic stability) performed at Invitae indicates that this missense variant is expected to disrupt GJB2 protein function. ClinVar contains an entry for this variant (Variation ID: 44752). This missense change has been observed in individual(s) with non-syndromic deafness (PMID: 12172394, 15253766, 17431919). In at least one individual the data is consistent with being in trans (on the opposite chromosome) from a pathogenic variant. It has also been observed to segregate with disease in related individuals. This variant is present in population databases (rs111033217, gnomAD 0.002%). This sequence change replaces lysine, which is basic and polar, with threonine, which is neutral and polar, at codon 15 of the GJB2 protein (p.Lys15Thr).

Blueprint Genetics
Classification: Pathogenic for GJB2-related disorders. Last evaluated: 2021-03-18. Review status: criteria provided, single submitter. Criteria: ACMG Guidelines, 2015. Collection method: clinical testing. Allele origin: germline. Affected: yes. Observed: 2 variant alleles.

Laboratory for Molecular Medicine, Mass General Brigham Personalized Medicine
Classification: Pathogenic for Rare genetic deafness. Last evaluated: 2020-10-14. Review status: criteria provided, single submitter. Criteria: ACMG Guidelines, 2015. Collection method: clinical testing. Allele origin: germline. Inheritance: Autosomal recessive inheritance.
Comment: The p.Lys15Thr variant in GJB2 has been reported in the compound heterozygous state with another pathogenic variant in GJB2 in at least 6 individuals with hearing loss, and segregated in 5 affected relatives of three families (Wu 2002 PMID: 12172394, Lim 2003 PMID: 12925341, Welch 2007 PMID: 17431919, LMM data). This variant has been identified in 3/111888 European chromosomes by the Genome Aggregation Database (gnomAD; dbSNP rs111033217); this frequency is low enough to be consistent with a recessive carrier frequency for recessive hearing loss. In summary, this variant meets criteria to be classified as pathogenic for autosomal recessive nonsyndromic hearing. ACMG/AMP Criteria applied: PM3_VeryStrong, PP1_Strong, PM2_Supporting.

Knight Diagnostic Laboratories, Oregon Health and Sciences University
Classification: Pathogenic. Last evaluated: 2019-03-22. Review status: criteria provided, single submitter. Criteria: ACMG Guidelines, 2015. Collection method: clinical testing. Allele origin: germline. Observed: 1 variant allele.

Genomic Diagnostic Laboratory, Division of Genomic Diagnostics, Children's Hospital of Philadelphia
Classification: Likely pathogenic for Deafness, autosomal recessive 1A. Last evaluated: 2017-05-09. Review status: criteria provided, single submitter. Criteria: DGD Variant Analysis Guidelines. Collection method: clinical testing. Allele origin: germline. Affected: yes and no. Observed: 3 variant alleles.

Counsyl
Classification: Likely pathogenic for Deafness, autosomal recessive 1A. Last evaluated: 2014-11-07. Review status: no assertion criteria provided. Collection method: literature only. Allele origin: unknown. Inheritance: Autosomal recessive inheritance. Not counted in ClinVar's aggregate classification.

Literature cited by the submitters: PubMed 16154643 (cited by Natera, Inc. and Counsyl); PubMed 12925341 (cited by 3 submitters); PubMed 31152317 (cited by Natera, Inc.); PubMed 17431919 (cited by 4 submitters); PubMed 15253766 (cited by 3 submitters); PubMed 12172394 (cited by 3 submitters); PubMed 16380907 (cited by Counsyl); PubMed 19775242 (cited by Counsyl); PubMed 17666888 (cited by Counsyl); PubMed 16950989 (cited by Counsyl); PubMed 12865758 (cited by Counsyl).

NM_004004.6(GJB2):c.44A>C (p.Lys15Thr)

Gene: GJB2 (gap junction protein beta 2; minus strand). Cytogenetic location: 13q12.11.
Variant type: single nucleotide variant.
Coding change: c.44A>C on transcript NM_004004.6 (MANE Select); coding-DNA position 44, A replaced by C.
Protein change: p.Lys15Thr; replaces lysine 15 with threonine.
Molecular consequence: missense variant.
Genome position (GRCh38, 1-based): chr13:20,189,538, T>G on the plus strand (A>C on the coding strand, the complement: GJB2 is on the minus strand). VCF-style: chr13-20189538-T-G. GRCh37 (hg19) VCF-style: chr13-20763677-T-G.
Other names: short protein forms K15T.
Identifiers: ClinVar variation 44752 (VCV000044752.55), dbSNP rs111033217, ClinGen allele CA261649.